The following is an entry in ClinVar:

ClinVar aggregate classification (germline): Conflicting classifications of pathogenicity. Review status: criteria provided, conflicting classifications (1 of 4 stars). 3 submissions from 3 submitters: Uncertain significance (2); Likely benign (1). Last evaluated 2025-05-27.

Conditions:
Inborn genetic diseases. Identifiers: MedGen C0950123, MeSH D030342.

Allele frequency attached by ClinVar (database versions not stated): gnomAD 0.00001; TOPMed 0.00001; gnomAD exomes 0.00003; ExAC 0.00006; 1000 Genomes Project 30x 0.00016; 1000 Genomes Project 0.00020.
gnomAD v4.1: 43 of 1,612,982 alleles (0.0027%); highest among the groups gnomAD compares: South Asian, 0.043%; 2 homozygotes.

Submissions (3):

Labcorp Genetics (formerly Invitae), Labcorp
Classification: Uncertain significance. Last evaluated: 2025-05-27. Review status: criteria provided, single submitter. Criteria: Invitae Variant Classification Sherloc (09022015). Collection method: clinical testing. Allele origin: germline.
Comment: This sequence change replaces asparagine, which is neutral and polar, with tyrosine, which is neutral and polar, at codon 838 of the SAMD9L protein (p.Asn838Tyr). This variant is present in population databases (rs200482827, gnomAD 0.03%). This variant has not been reported in the literature in individuals affected with SAMD9L-related conditions. ClinVar contains an entry for this variant (Variation ID: 2057905). Invitae Evidence Modeling of protein sequence and biophysical properties (such as structural, functional, and spatial information, amino acid conservation, physicochemical variation, residue mobility, and thermodynamic stability) has been performed for this missense variant. However, the output from this modeling did not meet the statistical confidence thresholds required to predict the impact of this variant on SAMD9L protein function. In summary, the available evidence is currently insufficient to determine the role of this variant in disease. Therefore, it has been classified as a Variant of Uncertain Significance.

Ambry Genetics
Classification: Likely benign for Inborn genetic diseases. Last evaluated: 2025-01-20. Review status: criteria provided, single submitter. Criteria: Ambry Variant Classification Scheme 2023. Collection method: clinical testing. Allele origin: germline.

GeneDx
Classification: Uncertain significance. Last evaluated: 2024-02-26. Review status: criteria provided, single submitter. Criteria: GeneDx Variant Classification Process June 2021. Collection method: clinical testing. Allele origin: germline. Affected: yes.
Comment: In silico analysis supports that this missense variant has a deleterious effect on protein structure/function; Has not been previously published as pathogenic or benign to our knowledge; This variant is associated with the following publications: (PMID: 28545555)

NM_152703.5(SAMD9L):c.2512A>T (p.Asn838Tyr)

Gene: SAMD9L (sterile alpha motif domain containing 9 like; minus strand). Cytogenetic location: 7q21.2.
Variant type: single nucleotide variant.
Coding change: c.2512A>T on transcript NM_152703.5 (MANE Select); coding-DNA position 2512, A replaced by T.
Protein change: p.Asn838Tyr; replaces asparagine 838 with tyrosine.
Molecular consequence: missense variant.
Genome position (GRCh38, 1-based): chr7:93,133,460, T>A on the plus strand (A>T on the coding strand, the complement: SAMD9L is on the minus strand). VCF-style: chr7-93133460-T-A. GRCh37 (hg19) VCF-style: chr7-92762773-T-A.
Other names: c.2512A>T, p.Asn838Tyr (NM_001303496.3, NM_001303497.3, NM_001303498.3 and 5 more transcripts); c.2512A>T (NM_152703.3, NM_152703.2); short protein forms N838Y.
Identifiers: ClinVar variation 2057905 (VCV002057905.6), dbSNP rs200482827, ClinGen allele CA4343574.
Genomic context (GRCh38, chr7:93,133,460, plus strand): 5'-TTAGTGCAATACTGTCTGCCAATTTTGCACTTTCATCTGGATTCCGGGATCTCATGCAGT[T>A]TAAGATAATTACCAATGTTTTTTCATATCGCAAATCCTTTTCTGCTAAAACGGAATGGAT-3'
Protein context (NP_689916.2, residues 828-848): RYEKTLVIIL[Asn838Tyr]CMRSRNPDES